The following is an entry in ClinVar:

ClinVar aggregate classification (germline): Uncertain significance (1 of 4 stars; one submission).

Conditions:
Cardiomyopathy (CMYO). Also called: Cardiomyopathies. Identifiers: Orphanet 167848, MedGen C0878544, MONDO:0004994, HP:0001638. Inheritance: Various modes of inheritance.

Allele frequency attached by ClinVar (database versions not stated): gnomAD exomes below 0.00001.

Submission:

Color Diagnostics, LLC DBA Color Health
Classification: Uncertain significance for Cardiomyopathy. Last evaluated: 2022-04-05. Review status: criteria provided, single submitter. Criteria: ACMG Guidelines, 2015. Collection method: clinical testing. Allele origin: germline.
Comment: This variant causes a deletion of one nucleotide in intron 55 of the RYR2 gene. To our knowledge, functional studies have not been reported for this variant. This variant has not been reported in individuals affected with cardiovascular disorders in the literature. This variant has been identified in 1/180616 chromosomes in the general population by the Genome Aggregation Database (gnomAD). The available evidence is insufficient to determine the role of this variant in disease conclusively. Therefore, this variant is classified as a Variant of Uncertain Significance.

NM_001035.3(RYR2):c.8298+7del

Gene: RYR2 (ryanodine receptor 2; plus strand). Cytogenetic location: 1q43.
Variant type: Deletion.
Coding change: c.8298+7del on transcript NM_001035.3 (MANE Select); 7 bases into the intron after coding-DNA position 8298, one base deleted (A; older notation c.8298+7delA).
Molecular consequence: intron variant.
Genome position (GRCh38, 1-based): chr1:237,660,081, A deleted. VCF-style (leftmost placement, unchanged base first): chr1-237660080-GA-G. GRCh37 (hg19) VCF-style: chr1-237823380-GA-G.
Identifiers: ClinVar variation 2774340 (VCV002774340.2), dbSNP rs1456667924, ClinGen allele CA529547594.
Genomic context (GRCh38, chr1:237,660,080, plus strand): 5'-AGACTCTTCTAAGGTTCAGCCATTAATGAAGCCATATAAGCTATTGTCTGAAAAGGTAAG[GA>G]TTTTTTGTTTGTTTTAGTTTGTAAAGTTTTTATTCTTTTGAAAAATGTGTTTTTTGGTTA-3'